The following is an entry in ClinVar:

NM_005732.4(RAD50):c.2165_2166insT (p.Lys722fs)

Gene: RAD50 (RAD50 double strand break repair protein; plus strand). Cytogenetic location: 5q31.1.
Variant type: Insertion.
Coding change: c.2165_2166insT on transcript NM_005732.4 (MANE Select); coding-DNA positions 2165 to 2166, T inserted.
Protein change: p.Lys722fs; shifts the reading frame from lysine 722.
Molecular consequence: frameshift variant.
Genome position: GRCh38 VCF-style: chr5-132595768-A-AT. GRCh37 (hg19) VCF-style: chr5-131931460-A-AT.
Other names: short protein forms K722fs.
Identifiers: ClinVar variation 408395 (VCV000408395.18), dbSNP rs587781454, ClinGen allele CA3405337.
Genomic context (GRCh38, chr5:132,595,768, plus strand): 5'-AGTCTAAACTGCGACTTGCTCCAGATAAACTCAAGTCAACAGAATCAGAGCTAAAAAAAA[A>AT]GGAAAAGCGGCGTGATGAAATGCTGGGACTTGTGCCCATGAGGTAAGAATGGGATTTACC-3'

ClinVar aggregate classification (germline): Pathogenic/Likely pathogenic. Review status: criteria provided, multiple submitters, no conflicts (2 of 4 stars). 5 submissions from 5 submitters: Pathogenic (3); Likely pathogenic (1). 1 of the submissions does not count toward it. Last evaluated 2025-09-25.

Conditions:
Nijmegen breakage syndrome-like disorder (NBSLD). Also called: MICROCEPHALY AND SPONTANEOUS CHROMOSOME INSTABILITY WITHOUT IMMUNODEFICIENCY; NBS-LIKE DISORDER; RAD50 DEFICIENCY. Identifiers: Orphanet 240760, MedGen C2751318, MONDO:0013118, OMIM 613078.
Hereditary cancer-predisposing syndrome. Also called: Hereditary neoplastic syndrome; Neoplastic Syndromes, Hereditary; Hereditary Cancer Syndrome; Tumor predisposition. Identifiers: Orphanet 140162, MedGen C0027672, MeSH D009386, MONDO:0015356.
RAD50-related disorder. Also called: RAD50-related condition.

Allele frequency attached by ClinVar (database versions not stated): ExAC 0.00001; gnomAD 0.00001; gnomAD exomes 0.00001 and 0.00002; TOPMed 0.00001.

Submissions (5):

Labcorp Genetics (formerly Invitae), Labcorp
Classification: Pathogenic for Hereditary cancer-predisposing syndrome. Last evaluated: 2025-09-25. Review status: criteria provided, single submitter. Criteria: Invitae Variant Classification Sherloc (09022015). Collection method: clinical testing. Allele origin: germline.
Comment: This sequence change creates a premature translational stop signal (p.Lys722Asnfs*6) in the RAD50 gene. It is expected to result in an absent or disrupted protein product. Loss-of-function variants in RAD50 are known to be pathogenic (PMID: 19409520). This variant is present in population databases (rs587781454, gnomAD 0.02%). This variant has not been reported in the literature in individuals affected with RAD50-related conditions. ClinVar contains an entry for this variant (Variation ID: 408395). For these reasons, this variant has been classified as Pathogenic.

Baylor Genetics
Classification: Pathogenic for Nijmegen breakage syndrome-like disorder. Last evaluated: 2023-07-26. Review status: criteria provided, single submitter. Criteria: ACMG Guidelines, 2015. Collection method: clinical testing. Allele origin: unknown.

Ambry Genetics
Classification: Pathogenic for Hereditary cancer-predisposing syndrome. Last evaluated: 2022-10-05. Review status: criteria provided, single submitter. Criteria: Ambry Variant Classification Scheme 2023. Collection method: clinical testing. Allele origin: germline.
Comment: The c.2165_2166insT pathogenic mutation, located in coding exon 13 of the RAD50 gene, results from an insertion of one nucleotide at position 2165, causing a translational frameshift with a predicted alternate stop codon (p.K722Nfs*6). This variant has been identified in at least two patients with a personal and family history of breast and/or ovarian cancer (Maxwell KN et al. Am. J. Hum. Genet. 2016 May;98:801-817; Chan GHJ et al. Oncotarget. 2018 Jul;9:30649-30660). In addition to the clinical data presented in the literature, this alteration is expected to result in loss of function by premature protein truncation or nonsense-mediated mRNA decay. As such, this alteration is interpreted as a disease-causing mutation.

Juno Genomics, Hangzhou Juno Genomics, Inc
Classification: Likely pathogenic for Nijmegen breakage syndrome-like disorder. Review status: criteria provided, single submitter. Criteria: ACMG Guidelines, 2015. Collection method: clinical testing. Allele origin: germline.
Comment: Null variant in a gene where loss of function (LOF) is a known mechanism of disease.;Absent from controls (or at extremely low frequency if recessive) in Genome Aggregation Database.

PreventionGenetics, part of Exact Sciences
Classification: Pathogenic for RAD50-related condition. Last evaluated: 2024-03-20. Review status: no assertion criteria provided. Collection method: clinical testing. Allele origin: germline. Not counted in ClinVar's aggregate classification.
Comment: The RAD50 c.2165_2166insT variant is predicted to result in a frameshift and premature protein termination (p.Lys722Asnfs*6). This variant has been reported in individuals with breast, prostate, non-small cell lung cancer and esophageal squamous cell carcinoma (Maxwell et al. 2016. PubMed ID: 27153395; Ko et al. 2021. PubMed ID: 34572942; Liang et al. 2022. PubMed ID: 36095024; Wang et al. 2022. PubMed ID: 36113475). It is interpreted as pathogenic in ClinVar. This variant is reported in 0.022% of alleles in individuals of East Asian descent in gnomAD. Frameshift variants in RAD50 are expected to be pathogenic. This variant is interpreted as pathogenic.

Literature cited by the submitters: PubMed 19409520 (cited by Labcorp Genetics (formerly Invitae), Labcorp); PubMed 27153395 (cited by Ambry Genetics); PubMed 30093976 (cited by Ambry Genetics).